The following is an entry in ClinVar:

NM_153252.5(BRWD3):c.989G>A (p.Gly330Asp)

Gene: BRWD3 (bromodomain and WD repeat domain containing 3; minus strand). Cytogenetic location: Xq21.1.
Variant type: single nucleotide variant.
Coding change: c.989G>A on transcript NM_153252.5 (MANE Select); coding-DNA position 989, G replaced by A.
Protein change: p.Gly330Asp; replaces glycine 330 with aspartic acid.
Molecular consequence: missense variant.
Genome position (GRCh38, 1-based): chrX:80,734,215, C>T on the plus strand (G>A on the coding strand, the complement: BRWD3 is on the minus strand). VCF-style: chrX-80734215-C-T. GRCh37 (hg19) VCF-style: chrX-79989714-C-T.
Other names: short protein forms G330D.
Identifiers: ClinVar variation 1715035 (VCV001715035.7), dbSNP rs2520396226, ClinGen allele CA413636284.

ClinVar aggregate classification (germline): Uncertain significance (1 of 4 stars; one submission).

Submissions (2):

Labcorp Genetics (formerly Invitae), Labcorp
Classification: Uncertain significance. Last evaluated: 2022-10-21. Review status: criteria provided, single submitter. Criteria: Invitae Variant Classification Sherloc (09022015). Collection method: clinical testing. Allele origin: germline.
Comment: This sequence change replaces glycine, which is neutral and non-polar, with aspartic acid, which is acidic and polar, at codon 330 of the BRWD3 protein (p.Gly330Asp). This variant is not present in population databases (gnomAD no frequency). This variant has not been reported in the literature in individuals affected with BRWD3-related conditions. Advanced modeling of protein sequence and biophysical properties (such as structural, functional, and spatial information, amino acid conservation, physicochemical variation, residue mobility, and thermodynamic stability) performed at Invitae indicates that this missense variant is expected to disrupt BRWD3 protein function. In summary, the available evidence is currently insufficient to determine the role of this variant in disease. Therefore, it has been classified as a Variant of Uncertain Significance.

Dr. Peter K. Rogan Lab, Western University
No classification provided (evidence only). Condition: Thyroid cancer, nonmedullary, 1. Review status: no classification provided. Collection method: in vitro. Allele origin: not applicable. Functional consequence: retained intron. Not counted in ClinVar's aggregate classification.